The following is an entry in ClinVar:

NM_198503.5(KCNT2):c.2112A>G (p.Gln704=)

Gene: KCNT2 (potassium sodium-activated channel subfamily T member 2; minus strand). Cytogenetic location: 1q31.3.
Variant type: single nucleotide variant.
Coding change: c.2112A>G on transcript NM_198503.5 (MANE Select); coding-DNA position 2112, A replaced by G.
Protein change: p.Gln704=; no amino-acid change (glutamine 704 retained).
Molecular consequence: synonymous variant. On other transcripts: non-coding transcript variant (2).
Genome position (GRCh38, 1-based): chr1:196,326,881, T>C on the plus strand (A>G on the coding strand, the complement: KCNT2 is on the minus strand). VCF-style: chr1-196326881-T-C. GRCh37 (hg19) VCF-style: chr1-196296011-T-C.
Other names: c.2112A>G (NM_198503.3); c.2112A>G, p.Gln704= (NM_001287819.3); c.1962A>G, p.Gln654= (NM_001287820.3).
Identifiers: ClinVar variation 4820770 (VCV004820770.6).

ClinVar aggregate classification (germline): Likely benign. Review status: criteria provided, multiple submitters, no conflicts (2 of 4 stars). 3 submissions from 3 submitters: Likely benign (3). Last evaluated 2026-03-01.

Conditions:
KCNT2-related disorder. Also called: KCNT2-related condition. Identifiers: MedGen CN236796.

gnomAD v4.1: 320 of 1,559,518 alleles (0.021%); highest among the groups gnomAD compares: Middle Eastern, 0.23%; 1 homozygote.

Submissions (3):

CeGaT Center for Human Genetics Tuebingen
Classification: Likely benign. Last evaluated: 2026-03-01. Review status: criteria provided, single submitter. Criteria: CeGaT Center For Human Genetics Tuebingen Variant Classification Criteria Version 2. Collection method: clinical testing. Allele origin: germline. Affected: yes. Observed: 1 variant allele.
Comment: KCNT2: BP4, BP7, BS1

PreventionGenetics, part of Exact Sciences
Classification: Likely benign for KCNT2-related condition. Last evaluated: 2025-04-17. Review status: criteria provided, single submitter. Criteria: ACMG Guidelines, 2015. Collection method: clinical testing. Allele origin: germline.
Comment: This variant is classified as likely benign based on ACMG/AMP sequence variant interpretation guidelines (Richards et al. 2015 PMID: 25741868, with internal and published modifications).

Blueprint Genetics
Classification: Likely benign. Last evaluated: 2024-08-27. Review status: criteria provided, single submitter. Criteria: ACMG Guidelines, 2015. Collection method: clinical testing. Allele origin: germline.